The following is an entry in ClinVar:

ClinVar aggregate classification (germline): Likely pathogenic (1 of 4 stars; one submission).

Conditions:
Juvenile polyposis/hereditary hemorrhagic telangiectasia syndrome (JPHT). Also called: JP/HHT SYNDROME; JUVENILE POLYPOSIS WITH HEREDITARY HEMORRHAGIC TELANGIECTASIA; POLYPOSIS, GENERALIZED JUVENILE, WITH PULMONARY ARTERIOVENOUS MALFORMATION; TELANGIECTASIA, HEREDITARY HEMORRHAGIC, WITH JUVENILE POLYPOSIS COLI; Juvenile Polyposis Syndrome / Hereditary Hemorrhagic Telangiectasia (JPS/HHT). Identifiers: Orphanet 2929, MedGen C1832942, MONDO:0008278, OMIM 175050.

Submission:

Baylor Genetics
Classification: Likely pathogenic for Juvenile polyposis/hereditary hemorrhagic telangiectasia syndrome. Last evaluated: 2018-09-22. Review status: criteria provided, single submitter. Criteria: ACMG Guidelines, 2015. Collection method: clinical testing. Allele origin: unknown. Affected: yes.
Comment: This variant was determined to be likely pathogenic according to ACMG Guidelines, 2015 [PMID:25741868].

NM_005359.6(SMAD4):c.803_804insCTAAGTGGTAGTA (p.Trp268delinsCysTer)

Gene: SMAD4 (SMAD family member 4; plus strand). Cytogenetic location: 18q21.2.
Variant type: Insertion.
Coding change: c.803_804insCTAAGTGGTAGTA on transcript NM_005359.6 (MANE Select); coding-DNA positions 803 to 804, CTAAGTGGTAGTA inserted.
Protein change: p.Trp268delinsCysTer.
Molecular consequence: nonsense.
Genome position: GRCh38 VCF-style: chr18-51058355-G-GCTAAGTGGTAGTA. GRCh37 (hg19) VCF-style: chr18-48584725-G-GCTAAGTGGTAGTA.
Identifiers: ClinVar variation 1032991 (VCV001032991.1), dbSNP rs1909899495, ClinGen allele CA2302977209.